The following is an entry in ClinVar:

NM_005359.6(SMAD4):c.586A>G (p.Ser196Gly)

Gene: SMAD4 (SMAD family member 4; plus strand). Cytogenetic location: 18q21.2.
Variant type: single nucleotide variant.
Coding change: c.586A>G on transcript NM_005359.6 (MANE Select); coding-DNA position 586, A replaced by G.
Protein change: p.Ser196Gly; replaces serine 196 with glycine.
Molecular consequence: missense variant.
Genome position (GRCh38, 1-based): chr18:51,054,912, A>G. VCF-style: chr18-51054912-A-G. GRCh37 (hg19) VCF-style: chr18-48581282-A-G.
Other names: short protein forms S196G.
Identifiers: ClinVar variation 529942 (VCV000529942.15), dbSNP rs946539148, ClinGen allele CA300084610.

ClinVar aggregate classification (germline): Conflicting classifications of pathogenicity. Review status: criteria provided, conflicting classifications (1 of 4 stars). 3 submissions from 3 submitters: Uncertain significance (2); Benign (1). Last evaluated 2025-12-15.

Conditions:
Hereditary cancer-predisposing syndrome. Also called: Neoplastic Syndromes, Hereditary; Hereditary neoplastic syndrome; Tumor predisposition; Hereditary Cancer Syndrome. Identifiers: Orphanet 140162, MedGen C0027672, MeSH D009386, MONDO:0015356.
Juvenile polyposis syndrome (JPS). Identifiers: Orphanet 2929, MedGen C0345893, MONDO:0017380, OMIM 174900.
Familial thoracic aortic aneurysm and aortic dissection (TAAD). Also called: Thoracic aortic aneurysms and dissections. Identifiers: Orphanet 91387, MedGen C4707243, MONDO:0019625.

Allele frequency attached by ClinVar (database versions not stated): gnomAD exomes 0.00001.
gnomAD v4.1: 11 of 1,614,170 alleles (0.00068%); highest among the groups gnomAD compares: Admixed American, 0.0017%; no homozygotes.

Submissions (3):

Labcorp Genetics (formerly Invitae), Labcorp
Classification: Benign for Juvenile polyposis syndrome. Last evaluated: 2025-12-15. Review status: criteria provided, single submitter. Criteria: Invitae Variant Classification Sherloc (09022015). Collection method: clinical testing. Allele origin: germline.

Color Diagnostics, LLC DBA Color Health
Classification: Uncertain significance for Hereditary cancer-predisposing syndrome. Last evaluated: 2025-09-17. Review status: criteria provided, single submitter. Criteria: ACMG Guidelines, 2015. Collection method: clinical testing. Allele origin: germline.
Comment: This missense variant replaces serine with glycine at codon 196 of the SMAD4 protein. Computational prediction suggests that this variant may not impact protein structure and function. To our knowledge, functional studies have not been reported for this variant. This variant has not been reported in individuals affected with SMAD4-related disorders in the literature. This variant has not been identified in the general population by the Genome Aggregation Database (gnomAD). The available evidence is insufficient to determine the role of this variant in disease conclusively. Therefore, this variant is classified as a Variant of Uncertain Significance.

Ambry Genetics
Classification: Uncertain significance for Hereditary cancer-predisposing syndrome; Familial thoracic aortic aneurysm and aortic dissection. Last evaluated: 2024-01-24. Review status: criteria provided, single submitter. Criteria: Ambry Variant Classification Scheme 2023. Collection method: clinical testing. Allele origin: germline.
Comment: The p.S196G variant (also known as c.586A>G), located in coding exon 4 of the SMAD4 gene, results from an A to G substitution at nucleotide position 586. The serine at codon 196 is replaced by glycine, an amino acid with similar properties. This amino acid position is well conserved in available vertebrate species. In addition, the in silico prediction for this alteration is inconclusive. Since supporting evidence is limited at this time, the clinical significance of this alteration remains unclear.